The following is an entry in ClinVar:

ClinVar aggregate classification (germline): Pathogenic. Review status: reviewed by expert panel (3 of 4 stars). 3 submissions from 3 submitters: Pathogenic (1). 2 of the submissions do not count toward it. Last evaluated 2016-09-08.

Conditions:
Breast-ovarian cancer, familial, susceptibility to, 2 (BROVCA2). Also called: BRCA2 Hereditary Breast and Ovarian Cancer. Identifiers: Orphanet 145, MedGen C2675520, MONDO:0012933, OMIM 612555. Disease mechanism: loss of function.

Submissions (3):

Evidence-based Network for the Interpretation of Germline Mutant Alleles (ENIGMA)
Classification: Pathogenic for Breast-ovarian cancer, familial, susceptibility to, 2. Last evaluated: 2016-09-08. Review status: reviewed by expert panel. Criteria: ENIGMA BRCA1/2 Classification Criteria (2015). Collection method: curation. Allele origin: germline.
Comment: Variant allele predicted to encode a truncated non-functional protein.

Consortium of Investigators of Modifiers of BRCA1/2 (CIMBA), c/o University of Cambridge
Classification: Pathogenic for Breast-ovarian cancer, familial, susceptibility to, 2. Last evaluated: 2015-10-02. Review status: criteria provided, single submitter. Criteria: CIMBA Mutation Classification guidelines May 2016. Collection method: clinical testing. Allele origin: germline. Not counted in ClinVar's aggregate classification.

Breast Cancer Information Core (BIC) (BRCA2)
Classification: Pathogenic for Breast-ovarian cancer, familial 2. Last evaluated: 1998-08-25. Review status: no assertion criteria provided. Collection method: clinical testing. Allele origin: germline. Affected: yes. Observed: 1 variant allele. Not counted in ClinVar's aggregate classification.

NM_000059.4(BRCA2):c.5180del (p.Asn1727fs)

Gene: BRCA2 (BRCA2 DNA repair associated; plus strand). Cytogenetic location: 13q13.1.
Variant type: Deletion.
Coding change: c.5180del on transcript NM_000059.4 (MANE Select); coding-DNA position 5180, one base deleted (A; older notation c.5180delA).
Protein change: p.Asn1727fs; shifts the reading frame from asparagine 1727.
Molecular consequence: frameshift variant.
Genome position (GRCh38, 1-based): chr13:32,339,535, A deleted; the last of 4 consecutive A bases (chr13:32,339,532-32,339,535); deleting any one gives the same sequence. VCF-style (leftmost placement, unchanged base first): chr13-32339531-GA-G. GRCh37 (hg19) VCF-style: chr13-32913668-GA-G.
Other names: 5408delA; c.5180delA (NM_000059.3).
Identifiers: ClinVar variation 51806 (VCV000051806.5), dbSNP rs80359491, ClinGen allele CA021614.